The following is an entry in ClinVar:

ClinVar aggregate classification (germline): Pathogenic. Review status: criteria provided, multiple submitters, no conflicts (2 of 4 stars). 4 submissions from 4 submitters: Pathogenic (4). Last evaluated 2024-11-15.

Conditions:
MFRP-related disorder. Also called: MFRP-related disorders; MFRP-related condition.
Isolated microphthalmia 5. Also called: Posterior Microphthalmia with Retinitis Pigmentosa, Foveoschisis, and Optic Disc Drusen. Identifiers: Orphanet 251279, MedGen C1970236, MONDO:0012605, OMIM 611040.

Allele frequency attached by ClinVar (database versions not stated): gnomAD exomes below 0.00001; gnomAD 0.00002 and 0.00001; TOPMed 0.00002.
gnomAD v4.1: 11 of 1,610,942 alleles (0.00068%); highest among the groups gnomAD compares: East Asian, 0.0022%; no homozygotes.

Submissions (4):

Blueprint Genetics
Classification: Pathogenic for MFRP-related disorders. Last evaluated: 2024-11-15. Review status: criteria provided, single submitter. Criteria: ACMG Guidelines, 2015. Collection method: clinical testing. Allele origin: germline. Affected: yes. Observed: 3 variant alleles.

Gu's Lab, Ningxia Medical University
Classification: Pathogenic for Isolated microphthalmia 5. Last evaluated: 2024-06-10. Review status: criteria provided, single submitter. Criteria: ACMG Guidelines, 2015. Collection method: clinical testing. Allele origin: germline. Affected: yes.

Labcorp Genetics (formerly Invitae), Labcorp
Classification: Pathogenic for Isolated microphthalmia 5. Last evaluated: 2024-03-22. Review status: criteria provided, single submitter. Criteria: Invitae Variant Classification Sherloc (09022015). Collection method: clinical testing. Allele origin: germline.
Comment: This sequence change creates a premature translational stop signal (p.Gln91*) in the MFRP gene. It is expected to result in an absent or disrupted protein product. Loss-of-function variants in MFRP are known to be pathogenic (PMID: 12140190, 15976030, 20361016). This variant is present in population databases (no rsID available, gnomAD 0.003%). This premature translational stop signal has been observed in individual(s) with microphthalmia (PMID: 23742260). In at least one individual the data is consistent with being in trans (on the opposite chromosome) from a pathogenic variant. It has also been observed to segregate with disease in related individuals. ClinVar contains an entry for this variant (Variation ID: 499355). For these reasons, this variant has been classified as Pathogenic.

Eurofins Ntd Llc (ga)
Classification: Pathogenic. Last evaluated: 2016-12-20. Review status: criteria provided, single submitter. Criteria: EGL Classification Definitions 2015. Collection method: clinical testing. Allele origin: germline. Observed: 1 variant allele, 1 heterozygote.

Literature cited by the submitters: PubMed 12140190 (cited by Labcorp Genetics (formerly Invitae), Labcorp); PubMed 15976030 (cited by Labcorp Genetics (formerly Invitae), Labcorp); PubMed 20361016 (cited by Labcorp Genetics (formerly Invitae), Labcorp); PubMed 23742260 (cited by Labcorp Genetics (formerly Invitae), Labcorp).

NM_031433.4(MFRP):c.271C>T (p.Gln91Ter)

Genes: C1QTNF5 (C1q and TNF related 5; minus strand), MFRP (membrane frizzled-related protein; minus strand). Cytogenetic location: 11q23.3.
Variant type: single nucleotide variant.
Coding change: c.271C>T on transcript NM_031433.4 (MANE Select); coding-DNA position 271, C replaced by T.
Protein change: p.Gln91Ter; replaces glutamine 91 with a stop codon.
Molecular consequence: nonsense. On other transcripts: 5 prime UTR variant (1).
Genome position (GRCh38, 1-based): chr11:119,346,046, G>A on the plus strand (C>T on the coding strand, the complement: MFRP is on the minus strand). VCF-style: chr11-119346046-G-A. GRCh37 (hg19) VCF-style: chr11-119216756-G-A.
Other names: c.-2366C>T (NM_015645.5); short protein forms Q91*.
Identifiers: ClinVar variation 499355 (VCV000499355.16), dbSNP rs1359404443, ClinGen allele CA382979367.
Genomic context (GRCh38, chr11:119,346,046, plus strand): 5'-AGAGCGGCTCATGGAGTTTCATTCCAAAGCCCTCGTTTCAAGCTGTCCCCGGGTACTTAC[G>A]GGCCAGGATGATGGCCACCAGCAGCCCAAGCAGCAGGAGGAGCAGGCTGGAGAGCAGGAG-3'